The following is an entry in ClinVar:

NM_000092.5(COL4A4):c.4185G>A (p.Gly1395=)

Gene: COL4A4 (collagen type IV alpha 4 chain; minus strand). Cytogenetic location: 2q36.3.
Variant type: single nucleotide variant.
Coding change: c.4185G>A on transcript NM_000092.5 (MANE Select); coding-DNA position 4185, G replaced by A.
Protein change: p.Gly1395=; no amino-acid change (glycine 1395 retained).
Molecular consequence: synonymous variant.
Genome position (GRCh38, 1-based): chr2:227,022,079, C>T on the plus strand (G>A on the coding strand, the complement: COL4A4 is on the minus strand). VCF-style: chr2-227022079-C-T. GRCh37 (hg19) VCF-style: chr2-227886795-C-T.
Identifiers: ClinVar variation 502186 (VCV000502186.28), dbSNP rs55978207, ClinGen allele CA2144260.

ClinVar aggregate classification (germline): Conflicting classifications of pathogenicity. Review status: criteria provided, conflicting classifications (1 of 4 stars). 8 submissions from 8 submitters: Uncertain significance (1); Likely benign (5). 2 of the submissions do not count toward it. Last evaluated 2026-03-01.

Conditions:
Alport syndrome. Also called: Hemorrhagic familial nephritis; Hemorrhagic hereditary nephritis; Congenital hereditary hematuria. Identifiers: Orphanet 63, MedGen C1567741, MONDO:0018965.
COL4A4-related disorder.

Allele frequency attached by ClinVar (database versions not stated): 1000 Genomes Project 30x 0.00016; TOPMed 0.00036; ESP Exome Variant Server 0.00050; gnomAD 0.00054 and 0.00057.
gnomAD v4.1: 714 of 1,613,970 alleles (0.044%); highest among the groups gnomAD compares: Non-Finnish European, 0.053%; no homozygotes.

Submissions (8):

CeGaT Center for Human Genetics Tuebingen
Classification: Likely benign. Last evaluated: 2026-03-01. Review status: criteria provided, single submitter. Criteria: CeGaT Center For Human Genetics Tuebingen Variant Classification Criteria Version 2. Collection method: clinical testing. Allele origin: germline. Affected: yes. Observed: 1 variant allele.
Comment: COL4A4: BP4, BP7

Labcorp Genetics (formerly Invitae), Labcorp
Classification: Likely benign. Last evaluated: 2026-01-26. Review status: criteria provided, single submitter. Criteria: Invitae Variant Classification Sherloc (09022015). Collection method: clinical testing. Allele origin: germline.

Laboratory of Genetics, Children's Clinical University Hospital Latvia
Classification: Likely benign. Last evaluated: 2025-02-16. Review status: criteria provided, single submitter. Criteria: ACMG Guidelines, 2015. Collection method: clinical testing. Allele origin: germline. Affected: yes.

Blueprint Genetics
Classification: Likely benign. Last evaluated: 2024-11-26. Review status: criteria provided, single submitter. Criteria: ACMG Guidelines, 2015. Collection method: clinical testing. Allele origin: germline.

GeneDx
Classification: Likely benign. Last evaluated: 2020-12-07. Review status: criteria provided, single submitter. Criteria: GeneDx Variant Classification Process June 2021. Collection method: clinical testing. Allele origin: germline. Affected: yes.

Eurofins Ntd Llc (ga)
Classification: Uncertain significance. Last evaluated: 2017-05-26. Review status: criteria provided, single submitter. Criteria: EGL Classification Definitions 2015. Collection method: clinical testing. Allele origin: germline. Observed: 1 variant allele, 1 heterozygote.

PreventionGenetics, part of Exact Sciences
Classification: Benign for COL4A4-related condition. Last evaluated: 2020-07-02. Review status: no assertion criteria provided. Collection method: clinical testing. Allele origin: germline. Not counted in ClinVar's aggregate classification.
Comment: This variant is classified as benign based on ACMG/AMP sequence variant interpretation guidelines (Richards et al. 2015 PMID: 25741868, with internal and published modifications).

Natera, Inc.
Classification: Likely benign for Alport syndrome. Last evaluated: 2019-11-11. Review status: no assertion criteria provided. Collection method: clinical testing. Allele origin: germline. Not counted in ClinVar's aggregate classification.